The following is an entry in ClinVar:

ClinVar aggregate classification (germline): Uncertain significance (1 of 4 stars; one submission).

Allele frequency attached by ClinVar (database versions not stated): gnomAD exomes below 0.00001; gnomAD 0.00002.
gnomAD v4.1: 5 of 1,614,054 alleles (0.00031%); highest among the groups gnomAD compares: African/African-American, 0.004%; no homozygotes.

Submission:

GeneDx
Classification: Uncertain significance. Last evaluated: 2023-02-13. Review status: criteria provided, single submitter. Criteria: GeneDx Variant Classification Process June 2021. Collection method: clinical testing. Allele origin: germline. Affected: yes.
Comment: In silico analysis supports that this missense variant does not alter protein structure/function; Has not been previously published as pathogenic or benign to our knowledge

NM_206933.4(USH2A):c.12218T>C (p.Ile4073Thr)

Gene: USH2A (usherin; minus strand). Cytogenetic location: 1q41.
Variant type: single nucleotide variant.
Coding change: c.12218T>C on transcript NM_206933.4 (MANE Select); coding-DNA position 12218, T replaced by C.
Protein change: p.Ile4073Thr; replaces isoleucine 4073 with threonine.
Molecular consequence: missense variant.
Genome position (GRCh38, 1-based): chr1:215,680,225, A>G on the plus strand (T>C on the coding strand, the complement: USH2A is on the minus strand). VCF-style: chr1-215680225-A-G. GRCh37 (hg19) VCF-style: chr1-215853567-A-G.
Other names: short protein forms I4073T.
Identifiers: ClinVar variation 2575751 (VCV002575751.1), dbSNP rs1266499977, ClinGen allele CA344816030.